The following is an entry in ClinVar:

NM_001184.4(ATR):c.6738T>A (p.Leu2246=)

Gene: ATR (ATR checkpoint kinase; minus strand). Cytogenetic location: 3q23.
Variant type: single nucleotide variant.
Coding change: c.6738T>A on transcript NM_001184.4 (MANE Select); coding-DNA position 6738, T replaced by A.
Protein change: p.Leu2246=; no amino-acid change (leucine 2246 retained).
Molecular consequence: synonymous variant.
Genome position (GRCh38, 1-based): chr3:142,466,483, A>T on the plus strand (T>A on the coding strand, the complement: ATR is on the minus strand). VCF-style: chr3-142466483-A-T. GRCh37 (hg19) VCF-style: chr3-142185325-A-T.
Other names: c.6738T>A (NM_001184.3); c.6546T>A, p.Leu2182= (NM_001354579.2).
Identifiers: ClinVar variation 1153552 (VCV001153552.12), dbSNP rs960123667, ClinGen allele CA84731393.

ClinVar aggregate classification (germline): Likely benign. Review status: criteria provided, multiple submitters, no conflicts (2 of 4 stars). 3 submissions from 3 submitters: Likely benign (3). Last evaluated 2026-09-01.

Conditions:
Inborn genetic diseases. Identifiers: MedGen C0950123, MeSH D030342.

Allele frequency attached by ClinVar (database versions not stated): gnomAD exomes below 0.00001 and 0.00001; gnomAD 0.00003 and 0.00004; TOPMed 0.00004.
gnomAD v4.1: 12 of 1,613,816 alleles (0.00074%); highest among the groups gnomAD compares: Admixed American, 0.013%; no homozygotes.

Submissions (3):

CeGaT Center for Human Genetics Tuebingen
Classification: Likely benign. Last evaluated: 2026-09-01. Review status: criteria provided, single submitter. Criteria: CeGaT Center For Human Genetics Tuebingen Variant Classification Criteria Version 2. Collection method: clinical testing. Allele origin: germline. Affected: yes. Observed: 1 variant allele.
Comment: ATR: BP4, BP7

Labcorp Genetics (formerly Invitae), Labcorp
Classification: Likely benign. Last evaluated: 2025-07-27. Review status: criteria provided, single submitter. Criteria: Invitae Variant Classification Sherloc (09022015). Collection method: clinical testing. Allele origin: germline.

Ambry Genetics
Classification: Likely benign for Inborn genetic diseases. Last evaluated: 2022-11-19. Review status: criteria provided, single submitter. Criteria: Ambry Variant Classification Scheme 2023. Collection method: clinical testing. Allele origin: germline.